The following is an entry in ClinVar:

ClinVar aggregate classification (germline): Uncertain significance (1 of 4 stars; one submission).

gnomAD v4.1: 1 of 1,613,324 alleles (0.000062%); highest among the groups gnomAD compares: East Asian, 0.0022%; no homozygotes.

Submission:

GeneDx
Classification: Uncertain significance. Last evaluated: 2026-01-08. Review status: criteria provided, single submitter. Criteria: GeneDx Variant Classification Process June 2021. Collection method: clinical testing. Allele origin: germline.
Comment: Not observed at significant frequency in large population cohorts (gnomAD); In silico analysis suggests that this missense variant does not alter protein structure/function; Has not been previously published as pathogenic or benign to our knowledge

NM_000340.2(SLC2A2):c.1526C>A (p.Pro509Gln)

Gene: SLC2A2 (solute carrier family 2 member 2; minus strand). Cytogenetic location: 3q26.2.
Variant type: single nucleotide variant.
Coding change: c.1526C>A on transcript NM_000340.2 (MANE Select); coding-DNA position 1526, C replaced by A.
Protein change: p.Pro509Gln; replaces proline 509 with glutamine.
Molecular consequence: missense variant.
Genome position (GRCh38, 1-based): chr3:170,997,952, G>T on the plus strand (C>A on the coding strand, the complement: SLC2A2 is on the minus strand). VCF-style: chr3-170997952-G-T. GRCh37 (hg19) VCF-style: chr3-170715741-G-T.
Other names: c.1169C>A, p.Pro390Gln (NM_001278658.2); c.1007C>A, p.Pro336Gln (NM_001278659.2); short protein forms P336Q, P390Q, P509Q.
Identifiers: ClinVar variation 3731107 (VCV003731107.2).